The following is an entry in ClinVar:

ClinVar aggregate classification (germline): Benign/Likely benign. Review status: criteria provided, multiple submitters, no conflicts (2 of 4 stars). 10 submissions from 10 submitters: Benign (5); Likely benign (2). 3 of the submissions do not count toward it. Last evaluated 2026-01-28.

Conditions:
PCNT-related disorder. Also called: PCNT-related condition.
Microcephalic osteodysplastic primordial dwarfism type II (MOPD2). Also called: Microcephalic osteodysplastic primordial dwarfism with tooth abnormalities; MOPD II; OSTEODYSPLASTIC PRIMORDIAL DWARFISM, TYPE II. Identifiers: Orphanet 2637, MedGen C0432246, MONDO:0008872, OMIM 210720.

Allele frequency attached by ClinVar (database versions not stated): 1000 Genomes Project 0.00599; 1000 Genomes Project 30x 0.00625; gnomAD 0.00771; TOPMed 0.00782; ESP Exome Variant Server 0.00784.
gnomAD v4.1: 2,130 of 1,613,868 alleles (0.13%); highest among the groups gnomAD compares: African/African-American, 2.6%; 39 homozygotes.

Submissions (10):

Labcorp Genetics (formerly Invitae), Labcorp
Classification: Benign. Last evaluated: 2026-01-28. Review status: criteria provided, single submitter. Criteria: Invitae Variant Classification Sherloc (09022015). Collection method: clinical testing. Allele origin: germline.

ARUP Laboratories, Molecular Genetics and Genomics, ARUP Laboratories
Classification: Benign for Microcephalic osteodysplastic primordial dwarfism type II. Last evaluated: 2025-02-11. Review status: criteria provided, single submitter. Criteria: ARUP Molecular Germline Variant Investigation Process 2024. Collection method: clinical testing. Allele origin: germline.

Illumina Laboratory Services, Illumina
Classification: Benign for Microcephalic osteodysplastic primordial dwarfism type II. Last evaluated: 2018-01-13. Review status: criteria provided, single submitter. Criteria: ICSL Variant Classification Criteria 13 December 2019. Collection method: clinical testing. Allele origin: germline.
Comment: This variant was observed in the ICSL laboratory as part of a predisposition screen in an ostensibly healthy population. It had not been previously curated by ICSL or reported in the Human Gene Mutation Database (HGMD: prior to June 1st, 2018), and was therefore a candidate for classification through an automated scoring system. Utilizing variant allele frequency, disease prevalence and penetrance estimates, and inheritance mode, an automated score was calculated to assess if this variant is too frequent to cause the disease. Based on the score and internal cut-off values, a variant classified as benign is not then subjected to further curation. The score for this variant resulted in a classification of benign for this disease.

Center for Pediatric Genomic Medicine, Children's Mercy Hospital and Clinics
Classification: Likely benign. Last evaluated: 2017-01-13. Review status: criteria provided, single submitter. Criteria: ACMG Guidelines, 2015. Collection method: clinical testing. Allele origin: germline.
ClinVar note: Converted during submission from Likely Benign to Likely benign.

GeneDx
Classification: Benign. Last evaluated: 2015-03-03. Review status: criteria provided, single submitter. Criteria: GeneDx Variant Classification Process June 2021. Collection method: clinical testing. Allele origin: germline. Affected: yes.

Genetic Services Laboratory, University of Chicago
Classification: Benign. Last evaluated: 2013-02-08. Review status: criteria provided, single submitter. Criteria: ACMG Guidelines, 2007. Collection method: clinical testing. Allele origin: germline. Inheritance: Autosomal recessive inheritance.

Breakthrough Genomics
Classification: Likely benign. Review status: criteria provided, single submitter. Criteria: ACMG Guidelines, 2015. Collection method: not provided. Allele origin: germline. Inheritance: Autosomal recessive inheritance. Affected: yes.

PreventionGenetics, part of Exact Sciences
Classification: Benign for PCNT-related condition. Last evaluated: 2023-02-08. Review status: no assertion criteria provided. Collection method: clinical testing. Allele origin: germline. Not counted in ClinVar's aggregate classification.
Comment: This variant is classified as benign based on ACMG/AMP sequence variant interpretation guidelines (Richards et al. 2015 PMID: 25741868, with internal and published modifications).

Clinical Genetics DNA and cytogenetics Diagnostics Lab, Erasmus MC, Erasmus Medical Center
Classification: Benign. Review status: no assertion criteria provided. Collection method: clinical testing. Allele origin: germline. Affected: yes. Study: VKGL Data-share Consensus. Not counted in ClinVar's aggregate classification.

Laboratory of Diagnostic Genome Analysis, Leiden University Medical Center (LUMC)
Classification: Likely benign. Review status: no assertion criteria provided. Collection method: clinical testing. Allele origin: germline. Affected: yes. Study: VKGL Data-share Consensus. Not counted in ClinVar's aggregate classification.

NM_006031.6(PCNT):c.7159G>A (p.Val2387Met)

Gene: PCNT (pericentrin; plus strand). Cytogenetic location: 21q22.3.
Variant type: single nucleotide variant.
Coding change: c.7159G>A on transcript NM_006031.6 (MANE Select); coding-DNA position 7159, G replaced by A.
Protein change: p.Val2387Met; replaces valine 2387 with methionine.
Molecular consequence: missense variant.
Genome position (GRCh38, 1-based): chr21:46,422,104, G>A. VCF-style: chr21-46422104-G-A. GRCh37 (hg19) VCF-style: chr21-47842018-G-A.
Other names: c.6805G>A, p.Val2269Met (NM_001315529.2); short protein forms V2387M, V2269M.
Identifiers: ClinVar variation 159650 (VCV000159650.34), dbSNP rs75024419, ClinGen allele CA173082.
Genomic context (GRCh38, chr21:46,422,104, plus strand): 5'-ACCCCTGCTTCCATCTCTGGAAGGTTTCAGCCGCTGCCGGAAGCCATGAAGGAGAAGGAA[G>A]TGCGTCCGAAGCACGTGAAGGTATGGCTGGCAGGGGCGGCCCTCACAGCTTCACATGTGC-3'
Protein context (NP_006022.3, residues 2377-2397): PLPEAMKEKE[Val2387Met]RPKHVKALLQ